The following is an entry in ClinVar:

ClinVar aggregate classification (germline): Uncertain significance. Review status: criteria provided, single submitter (1 of 4 stars). 2 submissions from 2 submitters: Uncertain significance (1). 1 of the submissions does not count toward it. Last evaluated 2025-07-29.

Conditions:
NBAS-related disorder. Also called: NBAS-related condition.

Allele frequency attached by ClinVar (database versions not stated): gnomAD exomes 0.00003.
gnomAD v4.1: 38 of 1,613,410 alleles (0.0024%); highest among the groups gnomAD compares: Non-Finnish European, 0.0029%; no homozygotes.

Submissions (2):

Women's Health and Genetics/Laboratory Corporation of America, LabCorp
Classification: Uncertain significance. Last evaluated: 2025-07-29. Review status: criteria provided, single submitter. Criteria: LabCorp Variant Classification Summary - May 2015. Collection method: clinical testing. Allele origin: germline.
Comment: Variant summary: NBAS c.1083+5G>A alters a non-conserved nucleotide located close to a canonical splice site and therefore could affect mRNA splicing, leading to a significantly altered protein sequence. Several computational tools predict a significant impact on normal splicing: Four predict the variant weakens a 5' donor site. However, these predictions have yet to be confirmed by functional studies. The variant allele was found at a frequency of 2.4e-05 in 1606440 control chromosomes. This frequency is not significantly higher than estimated for a pathogenic variant in NBAS causing Liver Failure Acute Infantile, Type 2 (2.4e-05 vs 0.0011), allowing no conclusion about variant significance. To our knowledge, no occurrence of c.1083+5G>A in individuals affected with Liver Failure Acute Infantile, Type 2 and no experimental evidence demonstrating its impact on protein function have been reported. ClinVar contains an entry for this variant (Variation ID: 3050192). Based on the evidence outlined above, the variant was classified as uncertain significance.

PreventionGenetics, part of Exact Sciences
Classification: Uncertain significance for NBAS-related condition. Last evaluated: 2024-02-06. Review status: no assertion criteria provided. Collection method: clinical testing. Allele origin: germline. Not counted in ClinVar's aggregate classification.
Comment: The NBAS c.1083+5G>A variant is predicted to interfere with splicing. To our knowledge, this variant has not been reported in the literature. This variant is reported in 0.0029% of alleles in individuals of Latino descent in gnomAD. At this time, the clinical significance of this variant is uncertain due to the absence of conclusive functional and genetic evidence.

NM_015909.4(NBAS):c.1083+5G>A

Gene: NBAS (NBAS subunit of NRZ tethering complex; minus strand). Cytogenetic location: 2p24.3.
Variant type: single nucleotide variant.
Coding change: c.1083+5G>A on transcript NM_015909.4 (MANE Select); 5 bases into the intron after coding-DNA position 1083, G replaced by A.
Molecular consequence: intron variant.
Genome position (GRCh38, 1-based): chr2:15,488,889, C>T on the plus strand (G>A on the coding strand, the complement: NBAS is on the minus strand). VCF-style: chr2-15488889-C-T. GRCh37 (hg19) VCF-style: chr2-15629013-C-T.
Identifiers: ClinVar variation 3050192 (VCV003050192.3), dbSNP rs930469738, ClinGen allele CA42635287.
Genomic context (GRCh38, chr2:15,488,889, plus strand): 5'-AATAAAATTAGTATTGTCAATACTCACCCTTAAGAGAGTATCATTCTAATAACCAAGAGA[C>T]GCACCTGCTCATTTTGACCCCATTCCCCTTGTTGCTTCAGAGATGGAATCGCCCAGATGC-3'